The following is an entry in ClinVar:

ClinVar aggregate classification (germline): Uncertain significance (1 of 4 stars; one submission).

Conditions:
Neuroblastoma, susceptibility to, 3. Also called: ALK-Related Neuroblastic Tumor Susceptibility. Identifiers: Orphanet 635, MedGen C2751681, MONDO:0013083, OMIM 613014.

Submission:

Labcorp Genetics (formerly Invitae), Labcorp
Classification: Uncertain significance for Neuroblastoma, susceptibility to, 3. Last evaluated: 2024-08-28. Review status: criteria provided, single submitter. Criteria: Invitae Variant Classification Sherloc (09022015). Collection method: clinical testing. Allele origin: germline.
Comment: This sequence change replaces leucine, which is neutral and non-polar, with glutamine, which is neutral and polar, at codon 1535 of the ALK protein (p.Leu1535Gln). This variant is not present in population databases (gnomAD no frequency). This variant has not been reported in the literature in individuals affected with ALK-related conditions. An algorithm developed to predict the effect of missense changes on protein structure and function (PolyPhen-2) suggests that this variant is likely to be tolerated. In summary, the available evidence is currently insufficient to determine the role of this variant in disease. Therefore, it has been classified as a Variant of Uncertain Significance.

NM_004304.5(ALK):c.4604T>A (p.Leu1535Gln)

Gene: ALK (ALK receptor tyrosine kinase; minus strand). Cytogenetic location: 2p23.2.
Variant type: single nucleotide variant.
Coding change: c.4604T>A on transcript NM_004304.5 (MANE Select); coding-DNA position 4604, T replaced by A.
Protein change: p.Leu1535Gln; replaces leucine 1535 with glutamine.
Molecular consequence: missense variant.
Genome position (GRCh38, 1-based): chr2:29,193,483, A>T on the plus strand (T>A on the coding strand, the complement: ALK is on the minus strand). VCF-style: chr2-29193483-A-T. GRCh37 (hg19) VCF-style: chr2-29416349-A-T.
Other names: c.1400T>A, p.Leu467Gln (NM_001353765.2); short protein forms L1535Q, L467Q.
Identifiers: ClinVar variation 3663741 (VCV003663741.2).